The following is an entry in ClinVar:

ClinVar aggregate classification (germline): Uncertain significance. Review status: criteria provided, multiple submitters, no conflicts (2 of 4 stars). 4 submissions from 4 submitters: Uncertain significance (4). Last evaluated 2025-10-18.

Conditions:
Hereditary cancer-predisposing syndrome. Also called: Hereditary neoplastic syndrome; Neoplastic Syndromes, Hereditary; Tumor predisposition; Hereditary Cancer Syndrome. Identifiers: Orphanet 140162, MedGen C0027672, MeSH D009386, MONDO:0015356.
Familial cancer of breast. Also called: Hereditary breast cancer; hereditary breast carcinoma; BREAST CANCER, FAMILIAL. Identifiers: Orphanet 227535, MedGen C0346153, MONDO:0016419, OMIM 114480. Disease mechanism: loss of function.
Fanconi anemia complementation group J. Also called: BRIP1-Related Fanconi Anemia. Identifiers: Orphanet 84, MedGen C1836860, MONDO:0012187, OMIM 609054.

Allele frequency attached by ClinVar (database versions not stated): gnomAD exomes below 0.00001; TOPMed below 0.00001; ExAC 0.00001; gnomAD 0.00001.
gnomAD v4.1: 13 of 1,613,252 alleles (0.00081%); highest among the groups gnomAD compares: South Asian, 0.0022%; no homozygotes.

Submissions (4):

Labcorp Genetics (formerly Invitae), Labcorp
Classification: Uncertain significance for Familial cancer of breast; Fanconi anemia complementation group J. Last evaluated: 2025-10-18. Review status: criteria provided, single submitter. Criteria: Invitae Variant Classification Sherloc (09022015). Collection method: clinical testing. Allele origin: germline.
Comment: This sequence change replaces arginine, which is basic and polar, with glutamine, which is neutral and polar, at codon 416 of the BRIP1 protein (p.Arg416Gln). This variant is present in population databases (rs772570870, gnomAD 0.003%). This variant has not been reported in the literature in individuals affected with BRIP1-related conditions. ClinVar contains an entry for this variant (Variation ID: 407842). Invitae Evidence Modeling of protein sequence and biophysical properties (such as structural, functional, and spatial information, amino acid conservation, physicochemical variation, residue mobility, and thermodynamic stability) indicates that this missense variant is not expected to disrupt BRIP1 protein function with a negative predictive value of 95%. In summary, the available evidence is currently insufficient to determine the role of this variant in disease. Therefore, it has been classified as a Variant of Uncertain Significance.

Ambry Genetics
Classification: Uncertain significance for Hereditary cancer-predisposing syndrome. Last evaluated: 2024-09-30. Review status: criteria provided, single submitter. Criteria: Ambry Variant Classification Scheme 2023. Collection method: clinical testing. Allele origin: germline.
Comment: The p.R416Q variant (also known as c.1247G>A), located in coding exon 8 of the BRIP1 gene, results from a G to A substitution at nucleotide position 1247. The arginine at codon 416 is replaced by glutamine, an amino acid with highly similar properties. This amino acid position is not well conserved in available vertebrate species. In addition, this alteration is predicted to be tolerated by in silico analysis. Since supporting evidence is limited at this time, the clinical significance of this alteration remains unclear.

Color Diagnostics, LLC DBA Color Health
Classification: Uncertain significance for Hereditary cancer-predisposing syndrome. Last evaluated: 2020-03-09. Review status: criteria provided, single submitter. Criteria: ACMG Guidelines, 2015. Collection method: clinical testing. Allele origin: germline.
Comment: This missense variant replaces arginine with glutamine at codon 416 of the BRIP1 protein. Computational prediction suggests that this variant may not impact protein structure and function (internally defined REVEL score threshold <= 0.5, PMID: 27666373). Splice site prediction tools suggest that this variant may not impact RNA splicing. To our knowledge, functional studies have not been reported for this variant. This variant has not been reported in individuals affected with hereditary cancer in the literature. This variant has been identified in 1/251142 chromosomes in the general population by the Genome Aggregation Database (gnomAD). The available evidence is insufficient to determine the role of this variant in disease conclusively. Therefore, this variant is classified as a Variant of Uncertain Significance.

GeneDx
Classification: Uncertain significance. Last evaluated: 2019-10-14. Review status: criteria provided, single submitter. Criteria: GeneDx Variant Classification Process June 2021. Collection method: clinical testing. Allele origin: germline. Affected: yes.
Comment: Not observed at a significant frequency in large population cohorts (Lek 2016); In silico analysis, which includes protein predictors and evolutionary conservation, supports that this variant does not alter protein structure/function; Has not been previously published as pathogenic or benign to our knowledge

NM_032043.3(BRIP1):c.1247G>A (p.Arg416Gln)

Gene: BRIP1 (BRCA1 interacting DNA helicase 1; minus strand). Cytogenetic location: 17q23.2.
Variant type: single nucleotide variant.
Coding change: c.1247G>A on transcript NM_032043.3 (MANE Select); coding-DNA position 1247, G replaced by A.
Protein change: p.Arg416Gln; replaces arginine 416 with glutamine.
Molecular consequence: missense variant.
Genome position (GRCh38, 1-based): chr17:61,799,193, C>T on the plus strand (G>A on the coding strand, the complement: BRIP1 is on the minus strand). VCF-style: chr17-61799193-C-T. GRCh37 (hg19) VCF-style: chr17-59876554-C-T.
Other names: short protein forms R416Q.
Identifiers: ClinVar variation 407842 (VCV000407842.20), dbSNP rs772570870, ClinGen allele CA8690772.